The following is an entry in ClinVar:

ClinVar aggregate classification (germline): Uncertain significance (1 of 4 stars; one submission).

Conditions:
Fetal akinesia deformation sequence 1 (FADS1). Also called: Fetal akinesia sequence; Pena-Shokeir syndrome type I. Identifiers: Orphanet 994, MedGen C1276035, MONDO:0100101, OMIM 208150, HP:0001989.
Congenital myasthenic syndrome 10. Also called: Myasthenia, limb-girdle, familial. Identifiers: Orphanet 590, MedGen C1850792, MONDO:0009690, OMIM 254300.

gnomAD v4.1: 8 of 1,607,830 alleles (0.0005%); highest among the groups gnomAD compares: Non-Finnish European, 0.00068%; no homozygotes.

Submission:

Labcorp Genetics (formerly Invitae), Labcorp
Classification: Uncertain significance for Congenital myasthenic syndrome 10; Fetal akinesia deformation sequence 1. Last evaluated: 2022-06-04. Review status: criteria provided, single submitter. Criteria: Invitae Variant Classification Sherloc (09022015). Collection method: clinical testing. Allele origin: germline.
Comment: This sequence change replaces phenylalanine, which is neutral and non-polar, with leucine, which is neutral and non-polar, at codon 196 of the DOK7 protein (p.Phe196Leu). This variant is present in population databases (no rsID available, gnomAD 0.0009%). This variant has not been reported in the literature in individuals affected with DOK7-related conditions. ClinVar contains an entry for this variant (Variation ID: 641690). Algorithms developed to predict the effect of missense changes on protein structure and function are either unavailable or do not agree on the potential impact of this missense change (SIFT: "Tolerated"; PolyPhen-2: "Possibly Damaging"; Align-GVGD: "Class C0"). In summary, the available evidence is currently insufficient to determine the role of this variant in disease. Therefore, it has been classified as a Variant of Uncertain Significance.

NM_173660.5(DOK7):c.588C>G (p.Phe196Leu)

Gene: DOK7 (docking protein 7; plus strand). Cytogenetic location: 4p16.3.
Variant type: single nucleotide variant.
Coding change: c.588C>G on transcript NM_173660.5 (MANE Select); coding-DNA position 588, C replaced by G.
Protein change: p.Phe196Leu; replaces phenylalanine 196 with leucine.
Molecular consequence: missense variant. On other transcripts: 5 prime UTR variant (1).
Genome position (GRCh38, 1-based): chr4:3,485,594, C>G. VCF-style: chr4-3485594-C-G. GRCh37 (hg19) VCF-style: chr4-3487321-C-G.
Other names: c.577C>G, p.Arg193Gly (NM_001164673.2); c.-343C>G (NM_001256896.2); c.588C>G, p.Phe196Leu (NM_001301071.2); c.156C>G, p.Phe52Leu (NM_001363811.2); short protein forms F52L, F196L, R193G.
Identifiers: ClinVar variation 641690 (VCV000641690.6), dbSNP rs149940009, ClinGen allele CA356114998.
Genomic context (GRCh38, chr4:3,485,594, plus strand): 5'-TGCAGGGGCTGGCGTCTTCTTCCTGTCCTCGGCCGAGGGGGAGCAGATCAGCTTCCTGTT[C>G]GACTGCATCGTCCGAGGCATCTCCCCCACCAAGGGCCCCTTTGGGCTGCGGCCGGTTCTA-3'
Protein context (NP_775931.3, residues 186-206): SAEGEQISFL[Phe196Leu]DCIVRGISPT